The following is an entry in ClinVar:

ClinVar aggregate classification (germline): Uncertain significance (1 of 4 stars; one submission).

Conditions:
Inborn genetic diseases. Identifiers: MedGen C0950123, MeSH D030342.

Submission:

Ambry Genetics
Classification: Uncertain significance for Inborn genetic diseases. Last evaluated: 2024-03-11. Review status: criteria provided, single submitter. Criteria: Ambry Variant Classification Scheme 2023. Collection method: clinical testing. Allele origin: germline.
Comment: The p.G401R variant (also known as c.1201G>C), located in coding exon 9 of the SMAD2 gene, results from a G to C substitution at nucleotide position 1201. The glycine at codon 401 is replaced by arginine, an amino acid with dissimilar properties. This amino acid position is conserved. In addition, this alteration is predicted to be deleterious by in silico analysis. Based on the available evidence, the clinical significance of this alteration remains unclear.

NM_005901.6(SMAD2):c.1201G>C (p.Gly401Arg)

Gene: SMAD2 (SMAD family member 2; minus strand). Cytogenetic location: 18q21.1.
Variant type: single nucleotide variant.
Coding change: c.1201G>C on transcript NM_005901.6 (MANE Select); coding-DNA position 1201, G replaced by C.
Protein change: p.Gly401Arg; replaces glycine 401 with arginine.
Molecular consequence: missense variant.
Genome position (GRCh38, 1-based): chr18:47,845,419, C>G on the plus strand (G>C on the coding strand, the complement: SMAD2 is on the minus strand). VCF-style: chr18-47845419-C-G. GRCh37 (hg19) VCF-style: chr18-45371790-C-G.
Other names: c.1201G>C, p.Gly401Arg (NM_001003652.4); c.1111G>C, p.Gly371Arg (NM_001135937.3); short protein forms G371R, G401R.
Identifiers: ClinVar variation 3225156 (VCV003225156.1), dbSNP rs2144287741, ClinGen allele CA402503699.
Genomic context (GRCh38, chr18:47,845,419, plus strand): 5'-CTTTCACAAAACTCATTCTTATGGTGCACATTCTAGTTAGCTGATAGACGGCTTCAAAAC[C>G]CTGATTAACAGACTGAGCCAGAAGAGCAGCAAATTCCTGGTTGTTGAAGATCTTCAGATT-3'
Protein context (NP_005892.1, residues 391-411): AALLAQSVNQ[Gly401Arg]FEAVYQLTRM